The following is an entry in ClinVar:

ClinVar aggregate classification (germline): Uncertain significance (1 of 4 stars; one submission).

Submission:

Labcorp Genetics (formerly Invitae), Labcorp
Classification: Uncertain significance. Last evaluated: 2021-12-02. Review status: criteria provided, single submitter. Criteria: Invitae Variant Classification Sherloc (09022015). Collection method: clinical testing. Allele origin: germline.
Comment: In summary, the available evidence is currently insufficient to determine the role of this variant in disease. Therefore, it has been classified as a Variant of Uncertain Significance. Experimental studies and prediction algorithms are not available or were not evaluated, and the functional significance of this variant is currently unknown. This variant has not been reported in the literature in individuals affected with TMEM38B-related conditions. This variant is a gross deletion of the genomic region encompassing exon(s) 6 of the TMEM38B gene, which includes the termination codon. This deletion extends beyond the assayed region for this gene and therefore may encompass additional genes. While this deletion is not anticipated to lead to nonsense mediated decay, it is expected to alter mRNA translation or result in a truncated protein product.

NC_000009.11:g.(?_108536126)_(108536361_?)del

Gene: TMEM38B (transmembrane protein 38B; plus strand). Cytogenetic location: 9q31.2.
Variant type: Deletion.
Identifiers: ClinVar variation 1412139 (VCV001412139.5).